The following is an entry in ClinVar:

NM_003924.4(PHOX2B):c.682G>A (p.Gly228Arg)

Gene: PHOX2B (paired like homeobox 2B; minus strand). Cytogenetic location: 4p13.
Variant type: single nucleotide variant.
Coding change: c.682G>A on transcript NM_003924.4 (MANE Select); coding-DNA position 682, G replaced by A.
Protein change: p.Gly228Arg; replaces glycine 228 with arginine.
Molecular consequence: missense variant.
Genome position (GRCh38, 1-based): chr4:41,746,070, C>T on the plus strand (G>A on the coding strand, the complement: PHOX2B is on the minus strand). VCF-style: chr4-41746070-C-T. GRCh37 (hg19) VCF-style: chr4-41748087-C-T.
Other names: short protein forms G228R.
Identifiers: ClinVar variation 931814 (VCV000931814.5), dbSNP rs1168393338, ClinGen allele CA356737412.
Genomic context (GRCh38, chr4:41,746,070, plus strand): 5'-CGGCCGCCGCCGCTGCTGCTGCGCCGCCCTTGCCGGGTTCGCCTCCCGGGCCCCCGGGCC[C>T]CGCCGCCCCCGGAGCTCCAGCCGGGCTGGGCCCGCCGCCGCCGCCTCCATTCGCCCCGCA-3'
Protein context (NP_003915.2, residues 218-238): PSPAGAPGAA[Gly228Arg]PGGPGGEPGK

ClinVar aggregate classification (germline): Uncertain significance. Review status: criteria provided, multiple submitters, no conflicts (2 of 4 stars). 3 submissions from 3 submitters: Uncertain significance (3). Last evaluated 2025-01-02.

Conditions:
Hereditary cancer-predisposing syndrome. Also called: Hereditary Cancer Syndrome; Hereditary neoplastic syndrome; Tumor predisposition; Neoplastic Syndromes, Hereditary. Identifiers: Orphanet 140162, MedGen C0027672, MeSH D009386, MONDO:0015356.
Congenital central hypoventilation. Also called: Congenital Central Hypoventilation Syndrome. Identifiers: Orphanet 661, Orphanet 99803, MedGen C1275808, MONDO:0800031. Disease mechanism: gain of function.

Allele frequency attached by ClinVar (database versions not stated): TOPMed below 0.00001; gnomAD 0.00001.

Submissions (3):

Ambry Genetics
Classification: Uncertain significance for Hereditary cancer-predisposing syndrome. Last evaluated: 2025-01-02. Review status: criteria provided, single submitter. Criteria: Ambry Variant Classification Scheme 2023. Collection method: clinical testing. Allele origin: germline.
Comment: The p.G228R variant (also known as c.682G>A), located in coding exon 3 of the PHOX2B gene, results from a G to A substitution at nucleotide position 682. The glycine at codon 228 is replaced by arginine, an amino acid with dissimilar properties. This amino acid position is conserved. In addition, the in silico prediction for this alteration is inconclusive. Based on the available evidence, the clinical significance of this variant remains unclear.

GeneDx
Classification: Uncertain significance. Last evaluated: 2024-11-21. Review status: criteria provided, single submitter. Criteria: GeneDx Variant Classification Process June 2021. Collection method: clinical testing. Allele origin: germline. Affected: yes.
Comment: Not observed at significant frequency in large population cohorts (gnomAD); In silico analysis indicates that this missense variant does not alter protein structure/function; Has not been previously published as pathogenic or benign to our knowledge

Centre for Mendelian Genomics, University Medical Centre Ljubljana
Classification: Uncertain significance for Central hypoventilation syndrome, congenital, 1, with or without Hirschsprung disease. Last evaluated: 2018-10-04. Review status: criteria provided, single submitter. Criteria: ACMG Guidelines, 2015. Collection method: clinical testing. Allele origin: unknown. Affected: yes.
Comment: This variant was classified as: Uncertain significance. The available evidence on this variant's pathogenicity is insufficient or conflicting. The following ACMG criteria were applied in classifying this variant: PM2,PP3. This variant was detected in homozygous state.